The following is an entry in ClinVar:

ClinVar aggregate classification (germline): Uncertain significance. Review status: criteria provided, multiple submitters, no conflicts (2 of 4 stars). 2 submissions from 2 submitters: Uncertain significance (2). Last evaluated 2025-10-08.

Conditions:
Familial thoracic aortic aneurysm and aortic dissection (TAAD). Also called: Thoracic aortic aneurysms and dissections. Identifiers: Orphanet 91387, MedGen C4707243, MONDO:0019625.

Submissions (2):

Labcorp Genetics (formerly Invitae), Labcorp
Classification: Uncertain significance for Familial thoracic aortic aneurysm and aortic dissection. Last evaluated: 2025-10-08. Review status: criteria provided, single submitter. Criteria: Invitae Variant Classification Sherloc (09022015). Collection method: clinical testing. Allele origin: germline.
Comment: This sequence change replaces tyrosine, which is neutral and polar, with cysteine, which is neutral and slightly polar, at codon 182 of the TGFBR1 protein (p.Tyr182Cys). This variant is not present in population databases (gnomAD no frequency). This variant has not been reported in the literature in individuals affected with TGFBR1-related conditions. Invitae Evidence Modeling of protein sequence and biophysical properties (such as structural, functional, and spatial information, amino acid conservation, physicochemical variation, residue mobility, and thermodynamic stability) indicates that this missense variant is not expected to disrupt TGFBR1 protein function with a negative predictive value of 95%. In summary, the available evidence is currently insufficient to determine the role of this variant in disease. Therefore, it has been classified as a Variant of Uncertain Significance.

Blueprint Genetics
Classification: Uncertain significance. Last evaluated: 2022-01-13. Review status: criteria provided, single submitter. Criteria: ACMG Guidelines, 2015. Collection method: clinical testing. Allele origin: germline.

NM_004612.4(TGFBR1):c.545A>G (p.Tyr182Cys)

Gene: TGFBR1 (transforming growth factor beta receptor 1; plus strand). Cytogenetic location: 9q22.33.
Variant type: single nucleotide variant.
Coding change: c.545A>G on transcript NM_004612.4 (MANE Select); coding-DNA position 545, A replaced by G.
Protein change: p.Tyr182Cys; replaces tyrosine 182 with cysteine.
Molecular consequence: missense variant. On other transcripts: non-coding transcript variant (4), intron variant (3).
Genome position (GRCh38, 1-based): chr9:99,132,710, A>G. VCF-style: chr9-99132710-A-G. GRCh37 (hg19) VCF-style: chr9-101894992-A-G.
Other names: c.557A>G, p.Tyr186Cys (NM_001306210.2, NM_001407416.1); c.545A>G, p.Tyr182Cys (NM_001407417.1, NM_001407435.1); c.350A>G, p.Tyr117Cys (NM_001407418.1, NM_001407419.1, NM_001407420.1 and 1 more transcripts); c.338A>G, p.Tyr113Cys (NM_001407423.1, NM_001407424.1, NM_001407425.1 and 8 more transcripts); c.299A>G, p.Tyr100Cys (NM_001407436.1); c.343+3610A>G (NM_001130916.3); c.98-5149A>G (NM_001407438.1); c.98-9826A>G (NM_001407437.1); short protein forms Y100C, Y113C, Y117C, Y182C, Y186C.
Identifiers: ClinVar variation 4806904 (VCV004806904.2).
Genomic context (GRCh38, chr9:99,132,710, plus strand): 5'-AGGACCCTTCATTAGATCGCCCTTTTATTTCAGAGGGTACTACGTTGAAAGACTTAATTT[A>G]TGATATGACAACGTCAGGTTCTGGCTCAGGTAACATAATTGTTTCTCCTTTTTCCTAAGA-3'
Protein context (NP_004603.1, residues 172-192): SEGTTLKDLI[Tyr182Cys]DMTTSGSGSG